The following is an entry in ClinVar:

ClinVar aggregate classification (germline): Likely pathogenic (1 of 4 stars; one submission).

Submission:

Labcorp Genetics (formerly Invitae), Labcorp
Classification: Likely pathogenic. Last evaluated: 2025-12-09. Review status: criteria provided, single submitter. Criteria: Invitae Variant Classification Sherloc (09022015). Collection method: clinical testing. Allele origin: germline.
Comment: This variant results in the deletion of part of exon 15 (c.1783-15_1841del) of the ANO6 gene. It is expected to disrupt RNA splicing. Variants that disrupt the donor or acceptor splice site typically lead to a loss of protein function (PMID: 16199547), and loss-of-function variants in ANO6 are known to be pathogenic (PMID: 21107324, 21511967, 27879994). This variant is not present in population databases (gnomAD no frequency). This variant has not been reported in the literature in individuals affected with ANO6-related conditions. In summary, the currently available evidence indicates that the variant is pathogenic, but additional data are needed to prove that conclusively. Therefore, this variant has been classified as Likely Pathogenic.

Literature cited by the submitters: PubMed 16199547; PubMed 21107324; PubMed 21511967; PubMed 27879994.

NM_001025356.3(ANO6):c.1783-15_1841del

Gene: ANO6 (anoctamin 6; plus strand). Cytogenetic location: 12q12.
Variant type: Deletion.
Coding change: c.1783-15_1841del on transcript NM_001025356.3 (MANE Select); 15 bases into the intron before coding-DNA position 1783 through coding-DNA position 1841, 74 bases deleted.
Molecular consequence: splice acceptor variant.
Genome position (GRCh38, 1-based): chr12:45,403,424-45,403,497, 74 bases deleted. GRCh37 (hg19): chr12:45,797,207-45,797,280.
Other names: c.1783-15_1841del (NM_001142679.2); c.1846-15_1904del (NM_001204803.2); c.1750-15_1808del (NM_001410973.1); c.1729-15_1787del (NM_001142678.2).
Identifiers: ClinVar variation 4732857 (VCV004732857.1).